The following is an entry in ClinVar:

NM_004959.5(NR5A1):c.377T>A (p.Met126Lys)

Gene: NR5A1 (nuclear receptor subfamily 5 group A member 1; minus strand). Cytogenetic location: 9q33.3.
Variant type: single nucleotide variant.
Coding change: c.377T>A on transcript NM_004959.5 (MANE Select); coding-DNA position 377, T replaced by A.
Protein change: p.Met126Lys; replaces methionine 126 with lysine.
Molecular consequence: missense variant.
Genome position (GRCh38, 1-based): chr9:124,500,583, A>T on the plus strand (T>A on the coding strand, the complement: NR5A1 is on the minus strand). VCF-style: chr9-124500583-A-T. GRCh37 (hg19) VCF-style: chr9-127262862-A-T.
Other names: short protein forms M126K.
Identifiers: ClinVar variation 3757085 (VCV003757085.2).
Genomic context (GRCh38, chr9:124,500,583, plus strand): 5'-CCATGCAGGCTGGGAGGCAGCACGTAGTCCGGTGCGGGAGGGGGCGGCGGGGGCACCCCC[A>T]TCGGGGGCCCTGTCTCCAGCTTGAAGCCATTGGCCCGAATCTGTGCCTTCTTCTGCTGTT-3'
Protein context (NP_004950.2, residues 116-136): NGFKLETGPP[Met126Lys]GVPPPPPPAP

ClinVar aggregate classification (germline): Uncertain significance (1 of 4 stars; one submission).

Conditions:
46 XY differences of sex development. Also called: 46, XY disorder of sex development (DSD); 46,XY disorder of sex development. Identifiers: Orphanet 98085, MedGen C2751824, MONDO:0020040.
Oligosynaptic infertility (SPGF1). Also called: SPERMATOGENIC FAILURE 1; OLIGOCHIASMATIC INFERTILITY. Identifiers: MedGen C0403810, MONDO:0009776, OMIM 258150.

Submission:

Labcorp Genetics (formerly Invitae), Labcorp
Classification: Uncertain significance for 46 XY differences of sex development; Oligosynaptic infertility. Last evaluated: 2024-03-14. Review status: criteria provided, single submitter. Criteria: Invitae Variant Classification Sherloc (09022015). Collection method: clinical testing. Allele origin: germline.
Comment: This sequence change replaces methionine, which is neutral and non-polar, with lysine, which is basic and polar, at codon 126 of the NR5A1 protein (p.Met126Lys). This variant is present in population databases (rs751547175, gnomAD 0.002%). This missense change has been observed in individual(s) with clinical features of NR5A1-related conditions (PMID: 33351340). Advanced modeling of protein sequence and biophysical properties (such as structural, functional, and spatial information, amino acid conservation, physicochemical variation, residue mobility, and thermodynamic stability) performed at Invitae indicates that this missense variant is not expected to disrupt NR5A1 protein function with a negative predictive value of 80%. In summary, the available evidence is currently insufficient to determine the role of this variant in disease. Therefore, it has been classified as a Variant of Uncertain Significance.

Literature cited by the submitters: PubMed 33351340.